The following is an entry in ClinVar:

NM_001244008.2(KIF1A):c.4496G>A (p.Arg1499Gln)

Gene: KIF1A (kinesin family member 1A; minus strand). Cytogenetic location: 2q37.3.
Variant type: single nucleotide variant.
Coding change: c.4496G>A on transcript NM_001244008.2 (MANE Select); coding-DNA position 4496, G replaced by A.
Protein change: p.Arg1499Gln; replaces arginine 1499 with glutamine.
Molecular consequence: missense variant.
Genome position (GRCh38, 1-based): chr2:240,722,625, C>T on the plus strand (G>A on the coding strand, the complement: KIF1A is on the minus strand). VCF-style: chr2-240722625-C-T. GRCh37 (hg19) VCF-style: chr2-241662042-C-T.
Other names: c.4190G>A, p.Arg1397Gln (NM_001379640.1); c.4193G>A, p.Arg1398Gln (NM_001379641.1, NM_001379650.1, NM_001379651.1 and 2 more transcripts); c.4496G>A, p.Arg1499Gln (NM_001379642.1); c.4469G>A, p.Arg1490Gln (NM_001379645.1, NM_001379633.1); c.4319G>A, p.Arg1440Gln (NM_001379646.1, NM_001379635.1); c.4295G>A, p.Arg1432Gln (NM_001379648.1, NM_001330290.2); c.4220G>A, p.Arg1407Gln (NM_001379649.1, NM_001320705.2); c.4571G>A, p.Arg1524Gln (NM_001379631.1); and 7 more; short protein forms R1407Q, R1490Q, R1397Q, R1432Q, R1436Q, R1441Q, R1499Q, R1415Q.
Identifiers: ClinVar variation 1040134 (VCV001040134.31), dbSNP rs866211603, ClinGen allele CA351304398.

ClinVar aggregate classification (germline): Uncertain significance. Review status: criteria provided, multiple submitters, no conflicts (2 of 4 stars). 3 submissions from 3 submitters: Uncertain significance (3). Last evaluated 2025-07-30.

Conditions:
Hereditary spastic paraplegia 30. Identifiers: Orphanet 101010, MedGen C5235139, MONDO:0012476.
Neuropathy, hereditary sensory, type 2C. Also called: Hereditary sensory and autonomic neuropathy type IIC; KIF1A-Related HSAN2 (HSAN2C). Identifiers: Orphanet 970, MedGen C3280168, MONDO:0013634, OMIM 614213.
Intellectual disability, autosomal dominant 9 (NESCAVS). Also called: KIF1A-Related Neurodevelopmental Disorder; NESCAV SYNDROME. Identifiers: Orphanet 662367, MedGen C5393830, MONDO:0013656, OMIM 614255.

Allele frequency attached by ClinVar (database versions not stated): TOPMed below 0.00001; gnomAD 0.00001; gnomAD exomes 0.00001.
gnomAD v4.1: 11 of 1,560,016 alleles (0.00071%); highest among the groups gnomAD compares: South Asian, 0.0024%; no homozygotes.

Submissions (3):

Labcorp Genetics (formerly Invitae), Labcorp
Classification: Uncertain significance for Hereditary spastic paraplegia 30; Neuropathy, hereditary sensory, type 2C; Intellectual disability, autosomal dominant 9. Last evaluated: 2025-07-30. Review status: criteria provided, single submitter. Criteria: Invitae Variant Classification Sherloc (09022015). Collection method: clinical testing. Allele origin: germline.
Comment: This sequence change replaces arginine, which is basic and polar, with glutamine, which is neutral and polar, at codon 1398 of the KIF1A protein (p.Arg1398Gln). The frequency data for this variant in the population databases is considered unreliable, as metrics indicate poor data quality at this position in the gnomAD database. This variant has not been reported in the literature in individuals affected with KIF1A-related conditions. ClinVar contains an entry for this variant (Variation ID: 1040134). Invitae Evidence Modeling of protein sequence and biophysical properties (such as structural, functional, and spatial information, amino acid conservation, physicochemical variation, residue mobility, and thermodynamic stability) indicates that this missense variant is not expected to disrupt KIF1A protein function with a negative predictive value of 95%. Algorithms developed to predict the effect of sequence changes on RNA splicing suggest that this variant may create or strengthen a splice site. In summary, the available evidence is currently insufficient to determine the role of this variant in disease. Therefore, it has been classified as a Variant of Uncertain Significance.

CeGaT Center for Human Genetics Tuebingen
Classification: Uncertain significance. Last evaluated: 2023-11-01. Review status: criteria provided, single submitter. Criteria: CeGaT Center For Human Genetics Tuebingen Variant Classification Criteria Version 2. Collection method: clinical testing. Allele origin: germline. Affected: yes. Observed: 1 variant allele.
Comment: KIF1A: PP3

Blueprint Genetics
Classification: Uncertain significance. Last evaluated: 2018-08-09. Review status: criteria provided, single submitter. Criteria: ACMG Guidelines, 2015. Collection method: clinical testing. Allele origin: germline.